The following is an entry in ClinVar:

ClinVar aggregate classification (germline): Conflicting classifications of pathogenicity. Review status: criteria provided, conflicting classifications (1 of 4 stars). 2 submissions from 2 submitters: Likely pathogenic (1); Uncertain significance (1). Last evaluated 2024-04-05.

Submissions (2):

GeneDx
Classification: Likely pathogenic. Last evaluated: 2024-04-05. Review status: criteria provided, single submitter. Criteria: GeneDx Variant Classification Process June 2021. Collection method: clinical testing. Allele origin: germline.
Comment: Not observed at significant frequency in large population cohorts (gnomAD); In silico analysis supports that this missense variant has a deleterious effect on protein structure/function; Has not been previously published as pathogenic or benign to our knowledge

Blueprint Genetics
Classification: Uncertain significance. Last evaluated: 2022-02-16. Review status: criteria provided, single submitter. Criteria: ACMG Guidelines, 2015. Collection method: clinical testing. Allele origin: germline.

NM_003590.5(CUL3):c.2267G>A (p.Arg756Gln)

Gene: CUL3 (cullin 3; minus strand). Cytogenetic location: 2q36.2.
Variant type: single nucleotide variant.
Coding change: c.2267G>A on transcript NM_003590.5 (MANE Select); coding-DNA position 2267, G replaced by A.
Protein change: p.Arg756Gln; replaces arginine 756 with glutamine.
Molecular consequence: missense variant.
Genome position (GRCh38, 1-based): chr2:224,474,285, C>T on the plus strand (G>A on the coding strand, the complement: CUL3 is on the minus strand). VCF-style: chr2-224474285-C-T. GRCh37 (hg19) VCF-style: chr2-225339002-C-T.
Other names: c.2069G>A, p.Arg690Gln (NM_001257197.2); c.2285G>A, p.Arg762Gln (NM_001257198.2); short protein forms R690Q, R756Q, R762Q.
Identifiers: ClinVar variation 2497884 (VCV002497884.3), dbSNP rs2106133123, ClinGen allele CA350820205.